The following is an entry in ClinVar:

NM_005559.4(LAMA1):c.8765C>G (p.Thr2922Ser)

Gene: LAMA1 (laminin subunit alpha 1; minus strand). Cytogenetic location: 18p11.31.
Variant type: single nucleotide variant.
Coding change: c.8765C>G on transcript NM_005559.4 (MANE Select); coding-DNA position 8765, C replaced by G.
Protein change: p.Thr2922Ser; replaces threonine 2922 with serine.
Molecular consequence: missense variant.
Genome position (GRCh38, 1-based): chr18:6,947,242, G>C on the plus strand (C>G on the coding strand, the complement: LAMA1 is on the minus strand). VCF-style: chr18-6947242-G-C. GRCh37 (hg19) VCF-style: chr18-6947241-G-C.
Other names: short protein forms T2922S.
Identifiers: ClinVar variation 1442030 (VCV001442030.6), dbSNP rs1188403743, ClinGen allele CA401834961.

ClinVar aggregate classification (germline): Uncertain significance (1 of 4 stars; one submission).

Allele frequency attached by ClinVar (database versions not stated): gnomAD exomes below 0.00001; gnomAD 0.00001; TOPMed 0.00001.
gnomAD v4.1: 23 of 1,614,028 alleles (0.0014%); highest among the groups gnomAD compares: Non-Finnish European, 0.0019%; no homozygotes.

Submission:

Labcorp Genetics (formerly Invitae), Labcorp
Classification: Uncertain significance. Last evaluated: 2021-10-13. Review status: criteria provided, single submitter. Criteria: Invitae Variant Classification Sherloc (09022015). Collection method: clinical testing. Allele origin: germline.
Comment: Algorithms developed to predict the effect of missense changes on protein structure and function are either unavailable or do not agree on the potential impact of this missense change (SIFT: "Deleterious"; PolyPhen-2: "Probably Damaging"; Align-GVGD: "Class C0"). This sequence change replaces threonine with serine at codon 2922 of the LAMA1 protein (p.Thr2922Ser). The threonine residue is moderately conserved and there is a small physicochemical difference between threonine and serine. This variant is not present in population databases (ExAC no frequency). This variant has not been reported in the literature in individuals affected with LAMA1-related conditions. In summary, the available evidence is currently insufficient to determine the role of this variant in disease. Therefore, it has been classified as a Variant of Uncertain Significance.